The following is an entry in ClinVar:

NM_199420.4(POLQ):c.8T>A (p.Leu3His)

Genes: POLQ (DNA polymerase theta; minus strand), LOC112872292 (Sharpr-MPRA regulatory region 30; plus strand). Cytogenetic location: 3q13.33.
Variant type: single nucleotide variant.
Coding change: c.8T>A on transcript NM_199420.4 (MANE Select); coding-DNA position 8, T replaced by A.
Protein change: p.Leu3His; replaces leucine 3 with histidine.
Molecular consequence: missense variant.
Genome position (GRCh38, 1-based): chr3:121,545,870, A>T on the plus strand (T>A on the coding strand, the complement: POLQ is on the minus strand). VCF-style: chr3-121545870-A-T. GRCh37 (hg19) VCF-style: chr3-121264717-A-T.
Other names: short protein forms L3H.
Identifiers: ClinVar variation 3230183 (VCV003230183.1), dbSNP rs2546828794, ClinGen allele CA354098049.

ClinVar aggregate classification (germline): Uncertain significance (1 of 4 stars; one submission).

Allele frequency attached by ClinVar (database versions not stated): gnomAD exomes below 0.00001.
gnomAD v4.1: 1 of 1,613,886 alleles (0.000062%); highest among the groups gnomAD compares: Middle Eastern, 0.016%; no homozygotes.

Submission:

Ambry Genetics
Classification: Uncertain significance. Last evaluated: 2023-11-13. Review status: criteria provided, single submitter. Criteria: Ambry Variant Classification Scheme 2023. Collection method: clinical testing. Allele origin: germline.
Comment: The p.L3H variant (also known as c.8T>A), located in coding exon 1 of the POLQ gene, results from a T to A substitution at nucleotide position 8. The leucine at codon 3 is replaced by histidine, an amino acid with similar properties. This amino acid position is conserved. In addition, this alteration is predicted to be tolerated by in silico analysis. Since supporting evidence is limited at this time, the clinical significance of this alteration remains unclear.